The following is an entry in ClinVar:

NM_201384.3(PLEC):c.10679A>G (p.Glu3560Gly)

Gene: PLEC (plectin; minus strand). Cytogenetic location: 8q24.3.
Variant type: single nucleotide variant.
Coding change: c.10679A>G on transcript NM_201384.3 (MANE Select); coding-DNA position 10679, A replaced by G.
Protein change: p.Glu3560Gly; replaces glutamic acid 3560 with glycine.
Molecular consequence: missense variant.
Genome position (GRCh38, 1-based): chr8:143,919,142, T>C on the plus strand (A>G on the coding strand, the complement: PLEC is on the minus strand). VCF-style: chr8-143919142-T-C. GRCh37 (hg19) VCF-style: chr8-144993310-T-C.
Other names: c.10760A>G, p.Glu3587Gly (NM_000445.5); c.10637A>G, p.Glu3546Gly (NM_201378.4); c.10613A>G, p.Glu3538Gly (NM_201379.3); c.11090A>G, p.Glu3697Gly (NM_201380.4); c.10583A>G, p.Glu3528Gly (NM_201381.3); c.10679A>G, p.Glu3560Gly (NM_201382.4); c.10691A>G, p.Glu3564Gly (NM_201383.3); short protein forms E3528G, E3538G, E3546G, E3560G, E3564G, E3587G, E3697G.
Identifiers: ClinVar variation 493484 (VCV000493484.43), dbSNP rs1554677246, ClinGen allele CA372497149.

ClinVar aggregate classification (germline): Uncertain significance (1 of 4 stars; one submission).

Allele frequency attached by ClinVar (database versions not stated): gnomAD exomes 0.00001.
gnomAD v4.1: 9 of 1,613,410 alleles (0.00056%); highest among the groups gnomAD compares: Non-Finnish European, 0.00076%; no homozygotes.

Submission:

CeGaT Center for Human Genetics Tuebingen
Classification: Uncertain significance. Last evaluated: 2023-09-01. Review status: criteria provided, single submitter. Criteria: CeGaT Center For Human Genetics Tuebingen Variant Classification Criteria Version 2. Collection method: clinical testing. Allele origin: germline. Affected: yes. Observed: 1 variant allele.
Comment: PLEC: PM2